The following is an entry in ClinVar:

NM_015214.3(DDHD2):c.695G>A (p.Arg232Gln)

Gene: DDHD2 (DDHD domain containing 2; plus strand). Cytogenetic location: 8p11.23.
Variant type: single nucleotide variant.
Coding change: c.695G>A on transcript NM_015214.3 (MANE Select); coding-DNA position 695, G replaced by A.
Protein change: p.Arg232Gln; replaces arginine 232 with glutamine.
Molecular consequence: missense variant. On other transcripts: non-coding transcript variant (2), intron variant (1).
Genome position (GRCh38, 1-based): chr8:38,240,347, G>A. VCF-style: chr8-38240347-G-A. GRCh37 (hg19) VCF-style: chr8-38097865-G-A.
Other names: c.695G>A, p.Arg232Gln (NM_001164232.2, NM_001362911.2, NM_001362912.2 and 1 more transcripts); c.623-1903G>A (NM_001362913.2); c.695G>A (NM_015214.2); short protein forms R232Q.
Identifiers: ClinVar variation 1936443 (VCV001936443.7), dbSNP rs761670911, ClinGen allele CA4716061.

ClinVar aggregate classification (germline): Uncertain significance. Review status: criteria provided, multiple submitters, no conflicts (2 of 4 stars). 2 submissions from 2 submitters: Uncertain significance (2). Last evaluated 2025-03-17.

Conditions:
Inborn genetic diseases. Identifiers: MedGen C0950123, MeSH D030342.
Hereditary spastic paraplegia 54. Also called: Spastic paraplegia 54, autosomal recessive. Identifiers: Orphanet 320380, MedGen C3539495, MONDO:0014018, OMIM 615033.

Allele frequency attached by ClinVar (database versions not stated): ExAC 0.00001.
gnomAD v4.1: 4 of 1,609,838 alleles (0.00025%); highest among the groups gnomAD compares: African/African-American, 0.0013%; no homozygotes.

Submissions (2):

Labcorp Genetics (formerly Invitae), Labcorp
Classification: Uncertain significance for Hereditary spastic paraplegia 54. Last evaluated: 2025-03-17. Review status: criteria provided, single submitter. Criteria: Invitae Variant Classification Sherloc (09022015). Collection method: clinical testing. Allele origin: germline.
Comment: This sequence change replaces arginine, which is basic and polar, with glutamine, which is neutral and polar, at codon 232 of the DDHD2 protein (p.Arg232Gln). This variant is present in population databases (rs761670911, gnomAD 0.003%). This variant has not been reported in the literature in individuals affected with DDHD2-related conditions. ClinVar contains an entry for this variant (Variation ID: 1936443). Invitae Evidence Modeling of protein sequence and biophysical properties (such as structural, functional, and spatial information, amino acid conservation, physicochemical variation, residue mobility, and thermodynamic stability) indicates that this missense variant is not expected to disrupt DDHD2 protein function with a negative predictive value of 80%. Algorithms developed to predict the effect of sequence changes on RNA splicing suggest that this variant may disrupt the consensus splice site. In summary, the available evidence is currently insufficient to determine the role of this variant in disease. Therefore, it has been classified as a Variant of Uncertain Significance.

Ambry Genetics
Classification: Uncertain significance for Inborn genetic diseases. Last evaluated: 2023-07-14. Review status: criteria provided, single submitter. Criteria: Ambry Variant Classification Scheme 2023. Collection method: clinical testing. Allele origin: germline.